The following is an entry in ClinVar:

ClinVar aggregate classification (germline): Benign/Likely benign. Review status: criteria provided, multiple submitters, no conflicts (2 of 4 stars). 3 submissions from 3 submitters: Benign (2); Likely benign (1). Last evaluated 2024-02-01.

Allele frequency attached by ClinVar (database versions not stated): TOPMed 0.00465; 1000 Genomes Project 30x 0.00468; ESP Exome Variant Server 0.00484; gnomAD 0.00522 and 0.00542; 1000 Genomes Project 0.00539; gnomAD exomes 0.00675 and 0.00696; ExAC 0.00706.
gnomAD v4.1: 10,682 of 1,614,146 alleles (0.66%); highest among the groups gnomAD compares: Middle Eastern, 1.9%; 47 homozygotes.

Submissions (3):

CeGaT Center for Human Genetics Tuebingen
Classification: Likely benign. Last evaluated: 2024-02-01. Review status: criteria provided, single submitter. Criteria: CeGaT Center For Human Genetics Tuebingen Variant Classification Criteria Version 2. Collection method: clinical testing. Allele origin: germline. Affected: yes. Observed: 1 variant allele.
Comment: ATP12A: BP4, BP7, BS2

Labcorp Genetics (formerly Invitae), Labcorp
Classification: Benign. Last evaluated: 2019-12-31. Review status: criteria provided, single submitter. Criteria: Invitae Variant Classification Sherloc (09022015). Collection method: clinical testing. Allele origin: germline.

Breakthrough Genomics
Classification: Benign. Review status: criteria provided, single submitter. Criteria: ACMG Guidelines, 2015. Collection method: not provided. Allele origin: germline. Inheritance: Unknown mechanism. Affected: yes.

NM_001676.7(ATP12A):c.2754G>A (p.Gly918=)

Gene: ATP12A (ATPase H+/K+ transporting non-gastric alpha2 subunit; plus strand). Cytogenetic location: 13q12.12.
Variant type: single nucleotide variant.
Coding change: c.2754G>A on transcript NM_001676.7 (MANE Select); coding-DNA position 2754, G replaced by A.
Protein change: p.Gly918=; no amino-acid change (glycine 918 retained).
Molecular consequence: synonymous variant.
Genome position (GRCh38, 1-based): chr13:24,709,819, G>A. VCF-style: chr13-24709819-G-A. GRCh37 (hg19) VCF-style: chr13-25283957-G-A.
Other names: c.2772G>A, p.Gly924= (NM_001185085.2).
Identifiers: ClinVar variation 771897 (VCV000771897.27), dbSNP rs77438081, ClinGen allele CA6917586.